The following is an entry in ClinVar:

ClinVar aggregate classification (germline): Uncertain significance. Review status: criteria provided, multiple submitters, no conflicts (2 of 4 stars). 2 submissions from 2 submitters: Uncertain significance (2). Last evaluated 2025-06-18.

Conditions:
Congenital factor V deficiency. Also called: LABILE FACTOR DEFICIENCY; OWREN PARAHEMOPHILIA; PARAHEMOPHILIA; Hereditary factor V deficiency disease. Identifiers: Orphanet 326, MedGen C0015499, MONDO:0009210, OMIM 227400.
Inborn genetic diseases. Identifiers: MedGen C0950123, MeSH D030342.

Allele frequency attached by ClinVar (database versions not stated): ExAC 0.00006; ESP Exome Variant Server 0.00008; gnomAD 0.00009; TOPMed 0.00011.
gnomAD v4.1: 35 of 1,614,014 alleles (0.0022%); highest among the groups gnomAD compares: African/African-American, 0.037%; no homozygotes.

Submissions (2):

Ambry Genetics
Classification: Uncertain significance for Inborn genetic diseases. Last evaluated: 2025-06-18. Review status: criteria provided, single submitter. Criteria: Ambry Variant Classification Scheme 2023. Collection method: clinical testing. Allele origin: germline.

Labcorp Genetics (formerly Invitae), Labcorp
Classification: Uncertain significance for Congenital factor V deficiency. Last evaluated: 2024-12-29. Review status: criteria provided, single submitter. Criteria: Invitae Variant Classification Sherloc (09022015). Collection method: clinical testing. Allele origin: germline.
Comment: This sequence change replaces lysine, which is basic and polar, with asparagine, which is neutral and polar, at codon 484 of the F5 protein (p.Lys484Asn). This variant is present in population databases (rs139213790, gnomAD 0.05%). This variant has not been reported in the literature in individuals affected with F5-related conditions. ClinVar contains an entry for this variant (Variation ID: 2357893). Invitae Evidence Modeling of protein sequence and biophysical properties (such as structural, functional, and spatial information, amino acid conservation, physicochemical variation, residue mobility, and thermodynamic stability) indicates that this missense variant is expected to disrupt F5 protein function with a positive predictive value of 80%. In summary, the available evidence is currently insufficient to determine the role of this variant in disease. Therefore, it has been classified as a Variant of Uncertain Significance.

NM_000130.5(F5):c.1452G>C (p.Lys484Asn)

Gene: F5 (coagulation factor V; minus strand). Cytogenetic location: 1q24.2.
Variant type: single nucleotide variant.
Coding change: c.1452G>C on transcript NM_000130.5 (MANE Select); coding-DNA position 1452, G replaced by C.
Protein change: p.Lys484Asn; replaces lysine 484 with asparagine.
Molecular consequence: missense variant.
Genome position (GRCh38, 1-based): chr1:169,549,960, C>G on the plus strand (G>C on the coding strand, the complement: F5 is on the minus strand). VCF-style: chr1-169549960-C-G. GRCh37 (hg19) VCF-style: chr1-169519198-C-G.
Other names: short protein forms K484N.
Identifiers: ClinVar variation 2357893 (VCV002357893.5), dbSNP rs139213790, ClinGen allele CA1234307.